The following is an entry in ClinVar:

NM_022049.3(GPR88):c.449A>G (p.Gln150Arg)

Gene: GPR88 (G protein-coupled receptor 88; plus strand). Cytogenetic location: 1p21.2.
Variant type: single nucleotide variant.
Coding change: c.449A>G on transcript NM_022049.3 (MANE Select); coding-DNA position 449, A replaced by G.
Protein change: p.Gln150Arg; replaces glutamine 150 with arginine.
Molecular consequence: missense variant.
Genome position (GRCh38, 1-based): chr1:100,539,415, A>G. VCF-style: chr1-100539415-A-G. GRCh37 (hg19) VCF-style: chr1-101004971-A-G.
Other names: short protein forms Q150R.
Identifiers: ClinVar variation 1466695 (VCV001466695.8), dbSNP rs1169320840, ClinGen allele CA341391820.

ClinVar aggregate classification (germline): Uncertain significance (1 of 4 stars; one submission).

Allele frequency attached by ClinVar (database versions not stated): TOPMed below 0.00001; gnomAD 0.00001.

Submission:

Labcorp Genetics (formerly Invitae), Labcorp
Classification: Uncertain significance. Last evaluated: 2025-06-20. Review status: criteria provided, single submitter. Criteria: Invitae Variant Classification Sherloc (09022015). Collection method: clinical testing. Allele origin: germline.
Comment: This sequence change replaces glutamine, which is neutral and polar, with arginine, which is basic and polar, at codon 150 of the GPR88 protein (p.Gln150Arg). The frequency data for this variant in the population databases is considered unreliable, as metrics indicate poor data quality at this position in the gnomAD database. This variant has not been reported in the literature in individuals affected with GPR88-related conditions. ClinVar contains an entry for this variant (Variation ID: 1466695). An algorithm developed to predict the effect of missense changes on protein structure and function (PolyPhen-2) suggests that this variant is likely to be disruptive. In summary, the available evidence is currently insufficient to determine the role of this variant in disease. Therefore, it has been classified as a Variant of Uncertain Significance.